The following is an entry in ClinVar:

ClinVar aggregate classification (germline): Uncertain significance. Review status: criteria provided, multiple submitters, no conflicts (2 of 4 stars). 3 submissions from 3 submitters: Uncertain significance (3). Last evaluated 2024-09-18.

Conditions:
Familial cancer of breast. Also called: BREAST CANCER, FAMILIAL; Hereditary breast cancer; hereditary breast carcinoma. Identifiers: Orphanet 227535, MedGen C0346153, MONDO:0016419, OMIM 114480. Disease mechanism: loss of function.
Hereditary cancer-predisposing syndrome. Also called: Neoplastic Syndromes, Hereditary; Tumor predisposition; Hereditary Cancer Syndrome; Hereditary neoplastic syndrome. Identifiers: Orphanet 140162, MedGen C0027672, MeSH D009386, MONDO:0015356.

Allele frequency attached by ClinVar (database versions not stated): gnomAD exomes below 0.00001.
gnomAD v4.1: 2 of 1,614,192 alleles (0.00012%); highest among the groups gnomAD compares: East Asian, 0.0022%; no homozygotes.

Submissions (3):

Labcorp Genetics (formerly Invitae), Labcorp
Classification: Uncertain significance for Familial cancer of breast. Last evaluated: 2024-09-18. Review status: criteria provided, single submitter. Criteria: Invitae Variant Classification Sherloc (09022015). Collection method: clinical testing. Allele origin: germline.
Comment: This sequence change replaces phenylalanine, which is neutral and non-polar, with serine, which is neutral and polar, at codon 643 of the PALB2 protein (p.Phe643Ser). This variant is not present in population databases (gnomAD no frequency). This variant has not been reported in the literature in individuals affected with PALB2-related conditions. ClinVar contains an entry for this variant (Variation ID: 820360). Invitae Evidence Modeling of protein sequence and biophysical properties (such as structural, functional, and spatial information, amino acid conservation, physicochemical variation, residue mobility, and thermodynamic stability) indicates that this missense variant is not expected to disrupt PALB2 protein function with a negative predictive value of 80%. In summary, the available evidence is currently insufficient to determine the role of this variant in disease. Therefore, it has been classified as a Variant of Uncertain Significance.

Color Diagnostics, LLC DBA Color Health
Classification: Uncertain significance for Hereditary cancer-predisposing syndrome. Last evaluated: 2024-03-06. Review status: criteria provided, single submitter. Criteria: ACMG Guidelines, 2015. Collection method: clinical testing. Allele origin: germline.
Comment: This missense variant replaces phenylalanine with serine at codon 643 of the PALB2 protein. Computational prediction tool suggests that this variant may not impact protein structure and function (internally defined REVEL score threshold <=0.5, PMID: 27666373). Splice site prediction tools suggest that this variant may not impact RNA splicing. To our knowledge, functional studies have not been performed for this variant. This variant has not been reported in individuals affected with hereditary cancer in the literature. This variant has been identified in 1/250652 chromosomes in the general population by the Genome Aggregation Database (gnomAD). The available evidence is insufficient to determine the role of this variant in disease conclusively. Therefore, this variant is classified as a Variant of Uncertain Significance.

Ambry Genetics
Classification: Uncertain significance for Hereditary cancer-predisposing syndrome. Last evaluated: 2023-10-20. Review status: criteria provided, single submitter. Criteria: Ambry Variant Classification Scheme 2023. Collection method: clinical testing. Allele origin: germline.
Comment: The p.F643S variant (also known as c.1928T>C), located in coding exon 5 of the PALB2 gene, results from a T to C substitution at nucleotide position 1928. The phenylalanine at codon 643 is replaced by serine, an amino acid with highly dissimilar properties. This amino acid position is poorly conserved in available vertebrate species. In addition, this alteration is predicted to be tolerated by in silico analysis. Since supporting evidence is limited at this time, the clinical significance of this alteration remains unclear.

NM_024675.4(PALB2):c.1928T>C (p.Phe643Ser)

Gene: PALB2 (partner and localizer of BRCA2; minus strand). Cytogenetic location: 16p12.2.
Variant type: single nucleotide variant.
Coding change: c.1928T>C on transcript NM_024675.4 (MANE Select); coding-DNA position 1928, T replaced by C.
Protein change: p.Phe643Ser; replaces phenylalanine 643 with serine.
Molecular consequence: missense variant.
Genome position (GRCh38, 1-based): chr16:23,630,226, A>G on the plus strand (T>C on the coding strand, the complement: PALB2 is on the minus strand). VCF-style: chr16-23630226-A-G. GRCh37 (hg19) VCF-style: chr16-23641547-A-G.
Other names: short protein forms F643S.
Identifiers: ClinVar variation 820360 (VCV000820360.16), dbSNP rs1567218485, ClinGen allele CA395127478.